The following is an entry in ClinVar:

NM_000057.4(BLM):c.1433G>C (p.Gly478Ala)

Gene: BLM (BLM RecQ like helicase; plus strand). Cytogenetic location: 15q26.1.
Variant type: single nucleotide variant.
Coding change: c.1433G>C on transcript NM_000057.4 (MANE Select); coding-DNA position 1433, G replaced by C.
Protein change: p.Gly478Ala; replaces glycine 478 with alanine.
Molecular consequence: missense variant.
Genome position (GRCh38, 1-based): chr15:90,760,806, G>C. VCF-style: chr15-90760806-G-C. GRCh37 (hg19) VCF-style: chr15-91304036-G-C.
Other names: c.1433G>C (LRG_20t1); c.1433G>C, p.Gly478Ala (NM_001287246.2, NM_001287247.2); c.308G>C, p.Gly103Ala (NM_001287248.2); short protein forms G478A, G103A.
Identifiers: ClinVar variation 454076 (VCV000454076.21), dbSNP rs759810567, ClinGen allele CA7738536.

ClinVar aggregate classification (germline): Uncertain significance. Review status: criteria provided, multiple submitters, no conflicts (2 of 4 stars). 7 submissions from 7 submitters: Uncertain significance (6). 1 of the submissions does not count toward it. Last evaluated 2026-01-27.

Conditions:
Hereditary cancer-predisposing syndrome. Also called: Hereditary Cancer Syndrome; Hereditary neoplastic syndrome; Neoplastic Syndromes, Hereditary; Tumor predisposition. Identifiers: Orphanet 140162, MedGen C0027672, MeSH D009386, MONDO:0015356.
Bloom syndrome (BLM). Also called: Bloom-Torre-Machacek syndrome. Identifiers: Orphanet 125, MedGen C0005859, MONDO:0008876, OMIM 210900.

Allele frequency attached by ClinVar (database versions not stated): gnomAD 0.00001; gnomAD exomes 0.00001; TOPMed 0.00001; ExAC 0.00002.
gnomAD v4.1: 34 of 1,613,864 alleles (0.0021%); highest among the groups gnomAD compares: Middle Eastern, 0.033%; no homozygotes.

Submissions (7):

Labcorp Genetics (formerly Invitae), Labcorp
Classification: Uncertain significance for Bloom syndrome. Last evaluated: 2026-01-27. Review status: criteria provided, single submitter. Criteria: Invitae Variant Classification Sherloc (09022015). Collection method: clinical testing. Allele origin: germline.
Comment: This sequence change replaces glycine, which is neutral and non-polar, with alanine, which is neutral and non-polar, at codon 478 of the BLM protein (p.Gly478Ala). This variant is present in population databases (rs759810567, gnomAD 0.003%). This variant has not been reported in the literature in individuals affected with BLM-related conditions. ClinVar contains an entry for this variant (Variation ID: 454076). Invitae Evidence Modeling of protein sequence and biophysical properties (such as structural, functional, and spatial information, amino acid conservation, physicochemical variation, residue mobility, and thermodynamic stability) indicates that this missense variant is not expected to disrupt BLM protein function with a negative predictive value of 80%. In summary, the available evidence is currently insufficient to determine the role of this variant in disease. Therefore, it has been classified as a Variant of Uncertain Significance.

Quest Diagnostics Nichols Institute San Juan Capistrano
Classification: Uncertain significance. Last evaluated: 2025-07-23. Review status: criteria provided, single submitter. Criteria: Quest Diagnostics criteria. Collection method: clinical testing. Allele origin: unknown.
Comment: The BLM c.1433G>C (p.Gly478Ala) variant has not been reported in individuals with BLM-related conditions in the published literature. The frequency of this variant in the general population (Genome Aggregation Database) is uninformative in the assessment of its pathogenicity. Analysis of this variant using bioinformatics tools for the prediction of the effect of amino acid changes on protein structure and function yielded predictions that this variant is benign. Based on the available information, we are unable to determine the clinical significance of this variant.

Ambry Genetics
Classification: Uncertain significance for Hereditary cancer-predisposing syndrome. Last evaluated: 2023-09-28. Review status: criteria provided, single submitter. Criteria: Ambry Variant Classification Scheme 2023. Collection method: clinical testing. Allele origin: germline.
Comment: The p.G478A variant (also known as c.1433G>C), located in coding exon 6 of the BLM gene, results from a G to C substitution at nucleotide position 1433. The glycine at codon 478 is replaced by alanine, an amino acid with similar properties. This amino acid position is not well conserved in available vertebrate species. In addition, this alteration is predicted to be tolerated by in silico analysis. Since supporting evidence is limited at this time, the clinical significance of this alteration remains unclear.

GeneDx
Classification: Uncertain significance. Last evaluated: 2022-04-15. Review status: criteria provided, single submitter. Criteria: GeneDx Variant Classification Process June 2021. Collection method: clinical testing. Allele origin: germline. Affected: yes.
Comment: In silico analysis supports that this missense variant does not alter protein structure/function; Has not been previously published as pathogenic or benign to our knowledge

Genome-Nilou Lab
Classification: Uncertain significance for Bloom syndrome. Last evaluated: 2021-07-14. Review status: criteria provided, single submitter. Criteria: ACMG Guidelines, 2015. Collection method: clinical testing. Allele origin: germline. Affected: no.

Sema4
Classification: Uncertain significance for Hereditary cancer-predisposing syndrome. Last evaluated: 2021-05-19. Review status: criteria provided, single submitter. Criteria: Sema4 Curation Guidelines. Collection method: curation. Allele origin: germline.
Comment: The BLM c.1433G>C (p.G478A) variant has not been reported in the literature to our knowledge. It was observed in 3/250446 chromosomes in the large and broad cohorts of the Genome Aggregation Database. The variant has been reported in ClinVar (Variation ID 454076). In silico tools suggest the impact of the variant on protein function is benign, though these predictions have not been confirmed by functional studies. The evidence is insufficient to meet ACMG/AMP criteria for classifying the variant as benign or pathogenic. Thus, the clinical significance of this variant is currently uncertain.

Natera, Inc.
Classification: Uncertain significance for Bloom syndrome. Last evaluated: 2018-04-23. Review status: no assertion criteria provided. Collection method: clinical testing. Allele origin: germline. Not counted in ClinVar's aggregate classification.